The following is an entry in ClinVar:

NM_001170629.2(CHD8):c.2434C>T (p.Arg812Trp)

Gene: CHD8 (chromodomain helicase DNA binding protein 8; minus strand). Cytogenetic location: 14q11.2.
Variant type: single nucleotide variant.
Coding change: c.2434C>T on transcript NM_001170629.2 (MANE Select); coding-DNA position 2434, C replaced by T.
Protein change: p.Arg812Trp; replaces arginine 812 with tryptophan.
Molecular consequence: missense variant.
Genome position (GRCh38, 1-based): chr14:21,408,756, G>A on the plus strand (C>T on the coding strand, the complement: CHD8 is on the minus strand). VCF-style: chr14-21408756-G-A. GRCh37 (hg19) VCF-style: chr14-21876915-G-A.
Other names: c.1597C>T, p.Arg533Trp (NM_020920.4); short protein forms R533W, R812W.
Identifiers: ClinVar variation 374259 (VCV000374259.6), dbSNP rs1057518651, ClinGen allele CA16043685.

ClinVar aggregate classification (germline): Uncertain significance/VUS-high. Review status: criteria provided, multiple submitters, no conflicts (2 of 4 stars). 3 submissions from 3 submitters: Uncertain significance (1); VUS-high (1). 1 of the submissions does not count toward it. Last evaluated 2026-03-18.

Conditions:
Inborn genetic diseases. Identifiers: MedGen C0950123, MeSH D030342.
Intellectual developmental disorder with autism and macrocephaly. Also called: Autism, susceptibility to, 18; CHD8-Related Neurodevelopmental Disorder with Overgrowth. Identifiers: Orphanet 642675, MedGen C3554373, MONDO:0014017, OMIM 615032.

Allele frequency attached by ClinVar (database versions not stated): gnomAD exomes below 0.00001; TOPMed below 0.00001.
gnomAD v4.1: 1 of 1,609,700 alleles (0.000062%); highest among the groups gnomAD compares: South Asian, 0.0011%; no homozygotes.

Submissions (3):

Center for Human Genetics and Genomic Medicine, Uniklinik Rwth Aachen
Classification: VUS-high for Intellectual developmental disorder with autism and macrocephaly. Last evaluated: 2026-03-18. Review status: criteria provided, single submitter. Criteria: ACMG Guidelines, 2015. Collection method: clinical testing. Allele origin: germline. Affected: yes. Observed: 1 variant allele, 1 heterozygote.
Comment: In the general population (gnomAD v4.1.0), the variant is detected at a frequency of 0.00006861% (1 / 1,457,536) (as of March 13, 2026) (PM2_supporting). Bioinformatics prediction tools (REVEL (v2021-05-03), CADD (v1.6); accessed via Alamut Visual Plus v.1.13 on March 13, 2026) classify the variant as likely pathogenic (PP3_moderate). Another amino acid substitution at the same position (p.Arg812Gln) was once classified as likely pathogenic in the ClinVar database (VCV002578536.1) (PM5_Supporting).

Ambry Genetics
Classification: Uncertain significance for Inborn genetic diseases. Last evaluated: 2022-02-02. Review status: criteria provided, single submitter. Criteria: Ambry Variant Classification Scheme 2023. Collection method: clinical testing. Allele origin: germline.
Comment: The c.2434C>T (p.R812W) alteration is located in exon 11 (coding exon 11) of the CHD8 gene. This alteration results from a C to T substitution at nucleotide position 2434, causing the arginine (R) at amino acid position 812 to be replaced by a tryptophan (W). This variant was not reported in population-based cohorts in the Genome Aggregation Database (gnomAD). However, another pathogenic alteration in X-linked BRWD3 was also identified in this patient (Posey 2017). This amino acid position is highly conserved in available vertebrate species. This alteration is predicted to be deleterious by in silico analysis. Based on insufficient or conflicting evidence, the clinical significance of this alteration remains unclear.

Baylor Genetics
Classification: Likely pathogenic for Intellectual developmental disorder with autism and macrocephaly. Last evaluated: 2015-02-17. Review status: no assertion criteria provided. Collection method: clinical testing. Allele origin: de novo. Inheritance: Autosomal dominant inheritance. Affected: yes. Observed: 1 variant allele, 1 heterozygote. Not counted in ClinVar's aggregate classification.

Literature cited by the submitters: PubMed 27959697 (cited by Ambry Genetics).